The following is an entry in ClinVar:

ClinVar aggregate classification (germline): Conflicting classifications of pathogenicity. Review status: criteria provided, conflicting classifications (1 of 4 stars). 6 submissions from 6 submitters: Uncertain significance (3); Likely benign (3). Last evaluated 2026-02-03.

Conditions:
NEFH-related disorder. Also called: NEFH-related condition.
Inborn genetic diseases. Identifiers: MedGen C0950123, MeSH D030342.

Allele frequency attached by ClinVar (database versions not stated): gnomAD 0.00011; 1000 Genomes Project 30x 0.00031.

Submissions (6):

PreventionGenetics, part of Exact Sciences
Classification: Uncertain significance for NEFH-related condition. Last evaluated: 2026-02-03. Review status: criteria provided, single submitter. Criteria: ACMG Guidelines, 2015. Collection method: clinical testing. Allele origin: germline.
Comment: The NEFH c.2099A>C variant is predicted to result in the amino acid substitution p.Glu700Ala. To our knowledge, this variant has not been reported in the literature. This variant is reported in 0.011% of alleles in individuals of East Asian descent in gnomAD. At this time, the clinical significance of this variant is uncertain due to the absence of conclusive functional and genetic evidence.

Women's Health and Genetics/Laboratory Corporation of America, LabCorp
Classification: Uncertain significance. Last evaluated: 2026-01-05. Review status: criteria provided, single submitter. Criteria: LabCorp Variant Classification Summary - May 2015. Collection method: clinical testing. Allele origin: germline.
Comment: Variant summary: NEFH c.2099A>C (p.Glu700Ala) results in a non-conservative amino acid change in the encoded protein sequence. Algorithms developed to predict the effect of missense changes on protein structure and function are either unavailable or do not agree on the potential impact of this missense change. The variant allele was found at a frequency of 3.2e-05 in 249596 control chromosomes in the gnomAD database, including 1 homozygotes. The available data on variant occurrences in the general population are insufficient to allow any conclusion about variant significance. To our knowledge, no occurrence of c.2099A>C in individuals affected with NEFH-related conditions and no experimental evidence demonstrating its impact on protein function have been reported. ClinVar contains an entry for this variant (Variation ID: 2457885). Based on the evidence outlined above, the variant was classified as uncertain significance.

Mayo Clinic Laboratories, Mayo Clinic
Classification: Likely benign. Last evaluated: 2025-12-16. Review status: criteria provided, single submitter. Criteria: ACMG Guidelines, 2015. Collection method: clinical testing. Allele origin: germline. Observed: 4 variant alleles.
Comment: BS2, BP4_moderate

Blueprint Genetics
Classification: Likely benign. Last evaluated: 2024-11-18. Review status: criteria provided, single submitter. Criteria: ACMG Guidelines, 2015. Collection method: clinical testing. Allele origin: germline.

Labcorp Genetics (formerly Invitae), Labcorp
Classification: Uncertain significance. Last evaluated: 2023-11-24. Review status: criteria provided, single submitter. Criteria: Invitae Variant Classification Sherloc (09022015). Collection method: clinical testing. Allele origin: germline.
Comment: This sequence change replaces glutamic acid, which is acidic and polar, with alanine, which is neutral and non-polar, at codon 700 of the NEFH protein (p.Glu700Ala). This variant is present in population databases (no rsID available, gnomAD 0.006%). This variant has not been reported in the literature in individuals affected with NEFH-related conditions. Advanced modeling of protein sequence and biophysical properties (such as structural, functional, and spatial information, amino acid conservation, physicochemical variation, residue mobility, and thermodynamic stability) performed at Invitae indicates that this missense variant is not expected to disrupt NEFH protein function with a negative predictive value of 95%. In summary, the available evidence is currently insufficient to determine the role of this variant in disease. Therefore, it has been classified as a Variant of Uncertain Significance.

Ambry Genetics
Classification: Likely benign for Inborn genetic diseases. Last evaluated: 2023-01-20. Review status: criteria provided, single submitter. Criteria: Ambry Variant Classification Scheme 2023. Collection method: clinical testing. Allele origin: germline.

NM_021076.4(NEFH):c.2099A>C (p.Glu700Ala)

Gene: NEFH (neurofilament heavy chain; plus strand). Cytogenetic location: 22q12.2.
Variant type: single nucleotide variant.
Coding change: c.2099A>C on transcript NM_021076.4 (MANE Select); coding-DNA position 2099, A replaced by C.
Protein change: p.Glu700Ala; replaces glutamic acid 700 with alanine.
Molecular consequence: missense variant.
Genome position (GRCh38, 1-based): chr22:29,489,739, A>C. VCF-style: chr22-29489739-A-C. GRCh37 (hg19) VCF-style: chr22-29885728-A-C.
Other names: p.Glu700Ala; short protein forms E700A.
Identifiers: ClinVar variation 2457885 (VCV002457885.9), dbSNP rs1240310622, ClinGen allele CA411135722.
Genomic context (GRCh38, chr22:29,489,739, plus strand): 5'-CCAAGTCCCCAGTGAAGGCAGAAGCAAAGTCCCCTGAGAAGGCCAAGTCCCCAGTGAAGG[A>C]AGAAGCAAAGTCCCCTGAGAAGGCCAAGTCCCCAGTGAAGGAAGAAGCAAAGTCCCCTGA-3'
Protein context (NP_066554.2, residues 690-710): SPEKAKSPVK[Glu700Ala]EAKSPEKAKS